The following is an entry in ClinVar:

ClinVar aggregate classification (germline): Pathogenic (1 of 4 stars; one submission).

Submission:

Labcorp Genetics (formerly Invitae), Labcorp
Classification: Pathogenic. Last evaluated: 2022-12-26. Review status: criteria provided, single submitter. Criteria: Invitae Variant Classification Sherloc (09022015). Collection method: clinical testing. Allele origin: germline.
Comment: For these reasons, this variant has been classified as Pathogenic. This variant has not been reported in the literature in individuals affected with POLE-related conditions. This variant is a gross deletion of the genomic region encompassing exon(s) 42-45 of the POLE gene. This deletion is out-of-frame, and is expected to create a premature termination codon and result in an absent or disrupted protein product. Loss-of-function variants in POLE are known to be pathogenic (PMID: 23230001, 25948378, 30503519).

Literature cited by the submitters: PubMed 23230001; PubMed 25948378; PubMed 30503519.

NC_000012.11:g.(?_133208891)_(133212620_?)del

Gene: POLE (DNA polymerase epsilon, catalytic subunit; minus strand). Cytogenetic location: 12q24.33.
Variant type: Deletion.
Identifiers: ClinVar variation 1449438 (VCV001449438.5).